The following is an entry in ClinVar:

ClinVar aggregate classification (germline): Uncertain significance. Review status: criteria provided, single submitter (1 of 4 stars). 3 submissions from 3 submitters: Uncertain significance (1). 2 of the submissions do not count toward it. Last evaluated 2025-10-10.

Conditions:
GANAB-related disorder. Also called: GANAB-related condition.
Autosomal dominant polycystic liver disease. Also called: Congenital cystic disease of liver; Polycystic liver disease. Identifiers: Orphanet 2924, MedGen C0158683, MONDO:0000447, HP:0006557.

Allele frequency attached by ClinVar (database versions not stated): ExAC 0.00021; TOPMed 0.00046; 1000 Genomes Project 0.00060; 1000 Genomes Project 30x 0.00062; ESP Exome Variant Server 0.00069.
gnomAD v4.1: 773 of 1,613,804 alleles (0.048%); highest among the groups gnomAD compares: Non-Finnish European, 0.062%; no homozygotes.

Submissions (3):

Labcorp Genetics (formerly Invitae), Labcorp
Classification: Uncertain significance. Last evaluated: 2025-10-10. Review status: criteria provided, single submitter. Criteria: Invitae Variant Classification Sherloc (09022015). Collection method: clinical testing. Allele origin: germline.
Comment: This sequence change replaces asparagine, which is neutral and polar, with serine, which is neutral and polar, at codon 442 of the GANAB protein (p.Asn442Ser). This variant is present in population databases (rs146956329, gnomAD 0.05%), and has an allele count higher than expected for a pathogenic variant. This variant has not been reported in the literature in individuals affected with GANAB-related conditions. ClinVar contains an entry for this variant (Variation ID: 1255593). Invitae Evidence Modeling of protein sequence and biophysical properties (such as structural, functional, and spatial information, amino acid conservation, physicochemical variation, residue mobility, and thermodynamic stability) indicates that this missense variant is not expected to disrupt GANAB protein function with a negative predictive value of 80%. In summary, the available evidence is currently insufficient to determine the role of this variant in disease. Therefore, it has been classified as a Variant of Uncertain Significance.

PreventionGenetics, part of Exact Sciences
Classification: Likely benign for GANAB-related condition. Last evaluated: 2022-07-01. Review status: no assertion criteria provided. Collection method: clinical testing. Allele origin: germline. Not counted in ClinVar's aggregate classification.
Comment: This variant is classified as likely benign based on ACMG/AMP sequence variant interpretation guidelines (Richards et al. 2015 PMID: 25741868, with internal and published modifications).

Laboratory of Gastroenterology and Hepatology, Radboud University Medical Center
Classification: Benign for Autosomal dominant polycystic liver disease. Last evaluated: 2021-09-01. Review status: no assertion criteria provided. Collection method: research. Allele origin: germline. Affected: yes. Not counted in ClinVar's aggregate classification.

NM_198334.3(GANAB):c.1259A>G (p.Asn420Ser)

Gene: GANAB (glucosidase II alpha subunit; minus strand). Cytogenetic location: 11q12.3.
Variant type: single nucleotide variant.
Coding change: c.1259A>G on transcript NM_198334.3 (MANE Select); coding-DNA position 1259, A replaced by G.
Protein change: p.Asn420Ser; replaces asparagine 420 with serine.
Molecular consequence: missense variant.
Genome position (GRCh38, 1-based): chr11:62,630,728, T>C on the plus strand (A>G on the coding strand, the complement: GANAB is on the minus strand). VCF-style: chr11-62630728-T-C. GRCh37 (hg19) VCF-style: chr11-62398200-T-C.
Other names: c.983A>G, p.Asn328Ser (NM_001278192.2); c.917A>G, p.Asn306Ser (NM_001278193.2); c.968A>G, p.Asn323Ser (NM_001278194.2, NM_001329222.2, NM_001329223.2); c.536A>G, p.Asn179Ser (NM_001329224.2, NM_001329225.2); c.1325A>G, p.Asn442Ser (NM_198335.4); c.1325A>G (NM_198335.3); short protein forms N179S, N306S, N323S, N328S, N420S, N442S.
Identifiers: ClinVar variation 1255593 (VCV001255593.12), dbSNP rs146956329, ClinGen allele CA6050825.